The following is an entry in ClinVar:

NM_178822.5(IGSF10):c.5405A>T (p.Asp1802Val)

Gene: IGSF10 (immunoglobulin superfamily member 10; minus strand). Cytogenetic location: 3q25.1.
Variant type: single nucleotide variant.
Coding change: c.5405A>T on transcript NM_178822.5 (MANE Select); coding-DNA position 5405, A replaced by T.
Protein change: p.Asp1802Val; replaces aspartic acid 1802 with valine.
Molecular consequence: missense variant.
Genome position (GRCh38, 1-based): chr3:151,443,542, T>A on the plus strand (A>T on the coding strand, the complement: IGSF10 is on the minus strand). VCF-style: chr3-151443542-T-A. GRCh37 (hg19) VCF-style: chr3-151161330-T-A.
Other names: c.5405A>T, p.Asp1802Val (NM_001385060.1, NM_001385061.1, NM_001385062.1 and 1 more transcripts); short protein forms D1802V.
Identifiers: ClinVar variation 788851 (VCV000788851.33), dbSNP rs35736581, ClinGen allele CA2669741.

ClinVar aggregate classification (germline): Likely benign. Review status: criteria provided, multiple submitters, no conflicts (2 of 4 stars). 3 submissions from 3 submitters: Likely benign (2). 1 of the submissions does not count toward it. Last evaluated 2026-01-15.

Conditions:
IGSF10-related disorder. Also called: IGSF10-related condition.

Allele frequency attached by ClinVar (database versions not stated): ESP Exome Variant Server 0.00408; 1000 Genomes Project 30x 0.00078; 1000 Genomes Project 0.00100; gnomAD 0.00229; ExAC 0.00268; TOPMed 0.00274; gnomAD exomes 0.00285 and 0.00359.
gnomAD v4.1: 5,638 of 1,614,212 alleles (0.35%); highest among the groups gnomAD compares: Non-Finnish European, 0.4%; 13 homozygotes.

Submissions (3):

Labcorp Genetics (formerly Invitae), Labcorp
Classification: Likely benign. Last evaluated: 2026-01-15. Review status: criteria provided, single submitter. Criteria: Invitae Variant Classification Sherloc (09022015). Collection method: clinical testing. Allele origin: germline.

CeGaT Center for Human Genetics Tuebingen
Classification: Likely benign. Last evaluated: 2023-01-01. Review status: criteria provided, single submitter. Criteria: CeGaT Center For Human Genetics Tuebingen Variant Classification Criteria Version 2. Collection method: clinical testing. Allele origin: germline. Affected: yes. Observed: 1 variant allele.
Comment: IGSF10: BS2

PreventionGenetics, part of Exact Sciences
Classification: Benign for IGSF10-related condition. Last evaluated: 2019-09-12. Review status: no assertion criteria provided. Collection method: clinical testing. Allele origin: germline. Not counted in ClinVar's aggregate classification.
Comment: This variant is classified as benign based on ACMG/AMP sequence variant interpretation guidelines (Richards et al. 2015 PMID: 25741868, with internal and published modifications).